The following is an entry in ClinVar:

NM_001267550.2(TTN):c.52307T>C (p.Ile17436Thr)

Genes: TTN (titin; minus strand), TTN-AS1 (TTN antisense RNA 1; plus strand). Cytogenetic location: 2q31.2.
Variant type: single nucleotide variant.
Coding change: c.52307T>C on transcript NM_001267550.2 (MANE Select); coding-DNA position 52307, T replaced by C.
Protein change: p.Ile17436Thr; replaces isoleucine 17436 with threonine.
Molecular consequence: missense variant.
Genome position (GRCh38, 1-based): chr2:178,608,704, A>G on the plus strand (T>C on the coding strand, the complement: TTN is on the minus strand). VCF-style: chr2-178608704-A-G. GRCh37 (hg19) VCF-style: chr2-179473431-A-G.
Other names: c.47384T>C, p.Ile15795Thr (NM_001256850.1); c.25112T>C, p.Ile8371Thr (NM_003319.4); c.44603T>C, p.Ile14868Thr (NM_133378.4); c.25487T>C, p.Ile8496Thr (NM_133432.3); c.25688T>C, p.Ile8563Thr (NM_133437.4); short protein forms I14868T, I15795T, I17436T, I8371T, I8496T, I8563T.
Identifiers: ClinVar variation 2438170 (VCV002438170.4), dbSNP rs774439701, ClinGen allele CA1994021.

ClinVar aggregate classification (germline): Uncertain significance. Review status: criteria provided, multiple submitters, no conflicts (2 of 4 stars). 2 submissions from 2 submitters: Uncertain significance (2). Last evaluated 2026-01-27.

Conditions:
TTN-related disorder. Also called: TTN-related condition; TTN-related disease; TTN-related disorders.

Allele frequency attached by ClinVar (database versions not stated): ExAC 0.00001; gnomAD exomes 0.00001.
gnomAD v4.1: 14 of 1,612,430 alleles (0.00087%); highest among the groups gnomAD compares: South Asian, 0.0077%; no homozygotes.

Submissions (2):

PreventionGenetics, part of Exact Sciences
Classification: Uncertain significance for TTN-related condition. Last evaluated: 2026-01-27. Review status: criteria provided, single submitter. Criteria: ACMG Guidelines, 2015. Collection method: clinical testing. Allele origin: germline.
Comment: The TTN c.52307T>C variant is predicted to result in the amino acid substitution p.Ile17436Thr. To our knowledge, this variant has not been reported in the literature. This variant is reported in 0.0033% of alleles in individuals of South Asian descent in gnomAD. At this time, the clinical significance of this variant is uncertain due to the absence of conclusive functional and genetic evidence.

Revvity Omics, Revvity
Classification: Uncertain significance. Last evaluated: 2022-03-28. Review status: criteria provided, single submitter. Criteria: ACMG Guidelines, 2015. Collection method: clinical testing. Allele origin: germline.